The following is an entry in ClinVar:

ClinVar aggregate classification (germline): Uncertain significance (1 of 4 stars; one submission).

Conditions:
Joubert syndrome. Also called: CEREBELLOPARENCHYMAL DISORDER IV; JOUBERT-BOLTSHAUSER SYNDROME; Familial aplasia of the vermis. Identifiers: Orphanet 475, MedGen C5979921, MONDO:0018772.
Nephronophthisis. Also called: Juvenile Nephronophthisis. Identifiers: Orphanet 655, MedGen C0687120, MONDO:0019005, HP:0000090.
Meckel-Gruber syndrome. Also called: DYSENCEPHALIA SPLANCHNOCYSTICA; GRUBER SYNDROME; Dysencephalia splachnocystica. Identifiers: Orphanet 564, MedGen C0265215, MONDO:0018921.

Allele frequency attached by ClinVar (database versions not stated): gnomAD exomes below 0.00001; TOPMed below 0.00001.
gnomAD v4.1: 1 of 1,577,156 alleles (0.000063%); highest among the groups gnomAD compares: Non-Finnish European, 0.000086%; no homozygotes.

Submission:

Labcorp Genetics (formerly Invitae), Labcorp
Classification: Uncertain significance for Joubert syndrome; Meckel-Gruber syndrome; Nephronophthisis. Last evaluated: 2021-11-12. Review status: criteria provided, single submitter. Criteria: Invitae Variant Classification Sherloc (09022015). Collection method: clinical testing. Allele origin: germline.
Comment: This sequence change replaces arginine, which is basic and polar, with lysine, which is basic and polar, at codon 2306 of the CEP290 protein (p.Arg2306Lys). This variant is not present in population databases (gnomAD no frequency). This variant has not been reported in the literature in individuals affected with CEP290-related conditions. Algorithms developed to predict the effect of missense changes on protein structure and function output the following: SIFT: "Tolerated"; PolyPhen-2: "Benign"; Align-GVGD: "Class C0". The lysine amino acid residue is found in multiple mammalian species, which suggests that this missense change does not adversely affect protein function. In summary, the available evidence is currently insufficient to determine the role of this variant in disease. Therefore, it has been classified as a Variant of Uncertain Significance.

NM_025114.4(CEP290):c.6917G>A (p.Arg2306Lys)

Gene: CEP290 (centrosomal protein 290; minus strand). Cytogenetic location: 12q21.32.
Variant type: single nucleotide variant.
Coding change: c.6917G>A on transcript NM_025114.4 (MANE Select); coding-DNA position 6917, G replaced by A.
Protein change: p.Arg2306Lys; replaces arginine 2306 with lysine.
Molecular consequence: missense variant.
Genome position (GRCh38, 1-based): chr12:88,055,619, C>T on the plus strand (G>A on the coding strand, the complement: CEP290 is on the minus strand). VCF-style: chr12-88055619-C-T. GRCh37 (hg19) VCF-style: chr12-88449396-C-T.
Other names: short protein forms R2306K.
Identifiers: ClinVar variation 1414903 (VCV001414903.3), dbSNP rs1772781673, ClinGen allele CA385976215.